The following is an entry in ClinVar:

ClinVar aggregate classification (germline): Uncertain significance. Review status: criteria provided, single submitter (1 of 4 stars). 2 submissions from 2 submitters: Uncertain significance (1). 1 of the submissions does not count toward it. Last evaluated 2025-05-22.

Conditions:
Arrhythmogenic right ventricular dysplasia 13. Also called: ARRHYTHMOGENIC RIGHT VENTRICULAR CARDIOMYOPATHY 13; Arrhythmogenic right ventricular dysplasia, familial, 13. Identifiers: MedGen C3810138, MONDO:0000908, OMIM 615616.
CTNNA3-related disorder. Also called: CTNNA3-related condition.

Allele frequency attached by ClinVar (database versions not stated): gnomAD exomes 0.00003 and 0.00009; TOPMed 0.00006; ExAC 0.00008; 1000 Genomes Project 30x 0.00078; 1000 Genomes Project 0.00120.
gnomAD v4.1: 51 of 1,613,442 alleles (0.0032%); highest among the groups gnomAD compares: East Asian, 0.045%; no homozygotes.

Submissions (2):

Labcorp Genetics (formerly Invitae), Labcorp
Classification: Uncertain significance for Arrhythmogenic right ventricular dysplasia 13. Last evaluated: 2025-05-22. Review status: criteria provided, single submitter. Criteria: Invitae Variant Classification Sherloc (09022015). Collection method: clinical testing. Allele origin: germline.
Comment: This sequence change replaces threonine, which is neutral and polar, with methionine, which is neutral and non-polar, at codon 392 of the CTNNA3 protein (p.Thr392Met). This variant is present in population databases (rs146777494, gnomAD 0.06%), and has an allele count higher than expected for a pathogenic variant. This variant has not been reported in the literature in individuals affected with CTNNA3-related conditions. ClinVar contains an entry for this variant (Variation ID: 474814). Invitae Evidence Modeling of protein sequence and biophysical properties (such as structural, functional, and spatial information, amino acid conservation, physicochemical variation, residue mobility, and thermodynamic stability) indicates that this missense variant is expected to disrupt CTNNA3 protein function with a positive predictive value of 80%. In summary, the available evidence is currently insufficient to determine the role of this variant in disease. Therefore, it has been classified as a Variant of Uncertain Significance.

PreventionGenetics, part of Exact Sciences
Classification: Likely benign for CTNNA3-related condition. Last evaluated: 2022-07-21. Review status: no assertion criteria provided. Collection method: clinical testing. Allele origin: germline. Not counted in ClinVar's aggregate classification.
Comment: This variant is classified as likely benign based on ACMG/AMP sequence variant interpretation guidelines (Richards et al. 2015 PMID: 25741868, with internal and published modifications).

NM_013266.4(CTNNA3):c.1175C>T (p.Thr392Met)

Gene: CTNNA3 (catenin alpha 3; minus strand). Cytogenetic location: 10q21.3.
Variant type: single nucleotide variant.
Coding change: c.1175C>T on transcript NM_013266.4 (MANE Select); coding-DNA position 1175, C replaced by T.
Protein change: p.Thr392Met; replaces threonine 392 with methionine.
Molecular consequence: missense variant.
Genome position (GRCh38, 1-based): chr10:66,766,370, G>A on the plus strand (C>T on the coding strand, the complement: CTNNA3 is on the minus strand). VCF-style: chr10-66766370-G-A. GRCh37 (hg19) VCF-style: chr10-68526128-G-A.
Other names: c.1175C>T, p.Thr392Met (NM_001127384.3); short protein forms T392M.
Identifiers: ClinVar variation 474814 (VCV000474814.12), dbSNP rs146777494, ClinGen allele CA5520033.
Genomic context (GRCh38, chr10:66,766,370, plus strand): 5'-TTTATTTCCTTTTCCCGGCCATTCTTAGCAGCTTCAATGAGAACCAAAAGAGGGACTGTC[G>A]TATCCAGGAAAGAGTCTGACACATGATCTATAATAGCCTTGCGGAGCTGAGAAGAAATGA-3'
Protein context (NP_037398.2, residues 382-402): IDHVSDSFLD[Thr392Met]TVPLLVLIEA